The following is an entry in ClinVar:

NM_001330288.2(SMARCC2):c.2689_2700del (p.Leu897_Ala900del)

Gene: SMARCC2 (SWI/SNF related BAF chromatin remodeling complex subunit C2; minus strand). Cytogenetic location: 12q13.2.
Variant type: Deletion.
Coding change: c.2689_2700del on transcript NM_001330288.2 (MANE Select); coding-DNA positions 2689 to 2700, 12 bases deleted (CTGGCCGCCGCC).
Protein change: p.Leu897_Ala900del.
Molecular consequence: inframe deletion.
Genome position (GRCh38, 1-based): chr12:56,169,544-56,169,555, GGCGGCGGCCAG deleted on the plus strand (CTGGCCGCCGCC on the coding strand, the reverse complement: SMARCC2 is on the minus strand); deleting any 12 consecutive bases within chr12:56,169,544-56,169,564 gives the same sequence; the c. name uses the placement nearest the transcript's 3' end. VCF-style (leftmost placement, unchanged base first): chr12-56169543-CGGCGGCGGCCAG-C. GRCh37 (hg19) VCF-style: chr12-56563327-CGGCGGCGGCCAG-C.
Other names: c.2689_2700del, p.Leu897_Ala900del (NM_001130420.3, NM_139067.4); c.2596_2607del, p.Leu866_Ala869del (NM_003075.5).
Identifiers: ClinVar variation 2499285 (VCV002499285.1), dbSNP rs2540867467, ClinGen allele CA2575188460.

ClinVar aggregate classification (germline): Uncertain significance (1 of 4 stars; one submission).

Submission:

GeneDx
Classification: Uncertain significance. Last evaluated: 2022-10-11. Review status: criteria provided, single submitter. Criteria: GeneDx Variant Classification Process June 2021. Collection method: clinical testing. Allele origin: germline. Affected: yes.
Comment: Not observed at significant frequency in large population cohorts (gnomAD); In-frame deletion of 4 amino acids in a repetitive region with no known function; Has not been previously published as pathogenic or benign to our knowledge